The following is an entry in ClinVar:

ClinVar aggregate classification (germline): Uncertain significance (1 of 4 stars; one submission).

Allele frequency attached by ClinVar (database versions not stated): gnomAD exomes below 0.00001.
gnomAD v4.1: 1 of 1,611,228 alleles (0.000062%); highest among the groups gnomAD compares: African/African-American, 0.0013%; no homozygotes.

Submission:

Labcorp Genetics (formerly Invitae), Labcorp
Classification: Uncertain significance. Last evaluated: 2025-07-18. Review status: criteria provided, single submitter. Criteria: Invitae Variant Classification Sherloc (09022015). Collection method: clinical testing. Allele origin: germline.
Comment: This sequence change affects codon 143 of the RAB11A mRNA. It is a 'silent' change, meaning that it does not change the encoded amino acid sequence of the RAB11A protein. It affects a nucleotide within the consensus splice site. This variant is not present in population databases (gnomAD no frequency). This variant has not been reported in the literature in individuals affected with RAB11A-related conditions. ClinVar contains an entry for this variant (Variation ID: 2911693). Algorithms developed to predict the effect of sequence changes on RNA splicing suggest that this variant is not likely to affect RNA splicing. In summary, the available evidence is currently insufficient to determine the role of this variant in disease. Therefore, it has been classified as a Variant of Uncertain Significance.

NM_004663.5(RAB11A):c.429A>C (p.Ala143=)

Gene: RAB11A (RAB11A, member RAS oncogene family; plus strand). Cytogenetic location: 15q22.31.
Variant type: single nucleotide variant.
Coding change: c.429A>C on transcript NM_004663.5 (MANE Select); coding-DNA position 429, A replaced by C.
Protein change: p.Ala143=; no amino-acid change (alanine 143 retained).
Molecular consequence: synonymous variant.
Genome position (GRCh38, 1-based): chr15:65,877,954, A>C. VCF-style: chr15-65877954-A-C. GRCh37 (hg19) VCF-style: chr15-66170292-A-C.
Other names: c.429A>C, p.Ala143= (NM_001206836.2).
Identifiers: ClinVar variation 2911693 (VCV002911693.3), dbSNP rs2078199142, ClinGen allele CA490845299.